The following is an entry in ClinVar:

ClinVar aggregate classification (germline): Uncertain significance (1 of 4 stars; one submission).

Conditions:
Hereditary cancer-predisposing syndrome. Also called: Neoplastic Syndromes, Hereditary; Tumor predisposition; Hereditary neoplastic syndrome; Hereditary Cancer Syndrome. Identifiers: Orphanet 140162, MedGen C0027672, MeSH D009386, MONDO:0015356.

Submission:

Ambry Genetics
Classification: Uncertain significance for Hereditary cancer-predisposing syndrome. Last evaluated: 2026-07-06. Review status: criteria provided, single submitter. Criteria: Ambry Variant Classification Scheme 2023. Collection method: clinical testing. Allele origin: germline.
Comment: The p.R15L variant (also known as c.44G>T), located in coding exon 2 of the SDHC gene, results from a G to T substitution at nucleotide position 44. The arginine at codon 15 is replaced by leucine, an amino acid with dissimilar properties. This amino acid position is conserved. In addition, the in silico prediction for this alteration is inconclusive. Based on the available evidence, the clinical significance of this variant remains unclear.

NM_003001.5(SDHC):c.44G>T (p.Arg15Leu)

Gene: SDHC (succinate dehydrogenase complex subunit C; plus strand). Cytogenetic location: 1q23.3.
Variant type: single nucleotide variant.
Coding change: c.44G>T on transcript NM_003001.5 (MANE Select); coding-DNA position 44, G replaced by T.
Protein change: p.Arg15Leu; replaces arginine 15 with leucine.
Molecular consequence: missense variant. On other transcripts: 5 prime UTR variant (2), non-coding transcript variant (1), intron variant (4).
Genome position (GRCh38, 1-based): chr1:161,323,637, G>T. VCF-style: chr1-161323637-G-T. GRCh37 (hg19) VCF-style: chr1-161293427-G-T.
Other names: c.44G>T, p.Arg15Leu (NM_001407115.1, NM_001407118.1, NM_001035511.3 and 2 more transcripts); c.-68G>T (NM_001407119.1); c.-186G>T (NM_001407120.1); c.21-4759G>T (NM_001407116.1, NM_001407121.1, NM_001407117.1); c.20+9212G>T (NM_001035513.3); short protein forms R15L.
Identifiers: ClinVar variation 5029317 (VCV005029317.1).
Genomic context (GRCh38, chr1:161,323,637, plus strand): 5'-TAAATGTGTATTGATTTTTGATTCTCTTATCTTGCAGACACGTTGGTCGTCATTGCCTCC[G>T]AGCCCACTTTAGCCCTCAGCTCTGTATCAGAAAGTAAGTTTCTAAGTCTGGAGATTATTT-3'
Protein context (NP_002992.1, residues 5-25): LLRHVGRHCL[Arg15Leu]AHFSPQLCIR